The following is an entry in ClinVar:

ClinVar aggregate classification (germline): Uncertain significance (1 of 4 stars; one submission).

Conditions:
Marfan syndrome (MFS). Also called: MARFAN SYNDROME, TYPE I; Marfan syndrome type 1; Marfan's syndrome; Marfan syndrome, classic; FBN1-Related Marfan Syndrome. Identifiers: Orphanet 284963, Orphanet 558, MedGen C0024796, MONDO:0007947, OMIM 154700.
Familial thoracic aortic aneurysm and aortic dissection (TAAD). Also called: Thoracic aortic aneurysms and dissections. Identifiers: Orphanet 91387, MedGen C4707243, MONDO:0019625.

Submission:

Labcorp Genetics (formerly Invitae), Labcorp
Classification: Uncertain significance for Marfan syndrome; Familial thoracic aortic aneurysm and aortic dissection. Last evaluated: 2024-03-24. Review status: criteria provided, single submitter. Criteria: Invitae Variant Classification Sherloc (09022015). Collection method: clinical testing. Allele origin: germline.
Comment: This sequence change replaces serine, which is neutral and polar, with cysteine, which is neutral and slightly polar, at codon 471 of the FBN1 protein (p.Ser471Cys). This variant is not present in population databases (gnomAD no frequency). This missense change has been observed in individual(s) with clinical features of FBN1-related conditions (Invitae). Advanced modeling of protein sequence and biophysical properties (such as structural, functional, and spatial information, amino acid conservation, physicochemical variation, residue mobility, and thermodynamic stability) performed at Invitae indicates that this missense variant is expected to disrupt FBN1 protein function with a positive predictive value of 95%. In summary, the available evidence is currently insufficient to determine the role of this variant in disease. Therefore, it has been classified as a Variant of Uncertain Significance.

NM_000138.5(FBN1):c.1411A>T (p.Ser471Cys)

Gene: FBN1 (fibrillin 1; minus strand). Cytogenetic location: 15q21.1.
Variant type: single nucleotide variant.
Coding change: c.1411A>T on transcript NM_000138.5 (MANE Select); coding-DNA position 1411, A replaced by T.
Protein change: p.Ser471Cys; replaces serine 471 with cysteine.
Molecular consequence: missense variant.
Genome position (GRCh38, 1-based): chr15:48,515,444, T>A on the plus strand (A>T on the coding strand, the complement: FBN1 is on the minus strand). VCF-style: chr15-48515444-T-A. GRCh37 (hg19) VCF-style: chr15-48807641-T-A.
Other names: c.1411A>T, p.Ser471Cys (NM_001406716.1); short protein forms S471C.
Identifiers: ClinVar variation 3754090 (VCV003754090.2).